The following is an entry in ClinVar:

NM_015909.4(NBAS):c.4391A>G (p.Asn1464Ser)

Gene: NBAS (NBAS subunit of NRZ tethering complex; minus strand). Cytogenetic location: 2p24.3.
Variant type: single nucleotide variant.
Coding change: c.4391A>G on transcript NM_015909.4 (MANE Select); coding-DNA position 4391, A replaced by G.
Protein change: p.Asn1464Ser; replaces asparagine 1464 with serine.
Molecular consequence: missense variant. On other transcripts: non-coding transcript variant (1).
Genome position (GRCh38, 1-based): chr2:15,328,269, T>C on the plus strand (A>G on the coding strand, the complement: NBAS is on the minus strand). VCF-style: chr2-15328269-T-C. GRCh37 (hg19) VCF-style: chr2-15468393-T-C.
Other names: short protein forms N1464S.
Identifiers: ClinVar variation 1944220 (VCV001944220.17), dbSNP rs375302458, ClinGen allele CA1535663.

ClinVar aggregate classification (germline): Uncertain significance. Review status: criteria provided, multiple submitters, no conflicts (2 of 4 stars). 2 submissions from 2 submitters: Uncertain significance (2). Last evaluated 2025-04-14.

Allele frequency attached by ClinVar (database versions not stated): TOPMed 0.00002; gnomAD 0.00003; ESP Exome Variant Server 0.00008.
gnomAD v4.1: 15 of 1,613,850 alleles (0.00093%); highest among the groups gnomAD compares: Middle Eastern, 0.016%; no homozygotes.

Submissions (2):

Labcorp Genetics (formerly Invitae), Labcorp
Classification: Uncertain significance. Last evaluated: 2025-04-14. Review status: criteria provided, single submitter. Criteria: Invitae Variant Classification Sherloc (09022015). Collection method: clinical testing. Allele origin: germline.
Comment: This sequence change replaces asparagine, which is neutral and polar, with serine, which is neutral and polar, at codon 1464 of the NBAS protein (p.Asn1464Ser). This variant is present in population databases (rs375302458, gnomAD 0.01%). This variant has not been reported in the literature in individuals affected with NBAS-related conditions. ClinVar contains an entry for this variant (Variation ID: 1944220). An algorithm developed to predict the effect of missense changes on protein structure and function outputs the following: PolyPhen-2: "Benign". The serine amino acid residue is found in multiple mammalian species, which suggests that this missense change does not adversely affect protein function. In summary, the available evidence is currently insufficient to determine the role of this variant in disease. Therefore, it has been classified as a Variant of Uncertain Significance.

CeGaT Center for Human Genetics Tuebingen
Classification: Uncertain significance. Last evaluated: 2024-11-01. Review status: criteria provided, single submitter. Criteria: CeGaT Center For Human Genetics Tuebingen Variant Classification Criteria Version 2. Collection method: clinical testing. Allele origin: germline. Affected: yes. Observed: 1 variant allele.
Comment: NBAS: PM2, BP4